The following is an entry in ClinVar:

NM_206933.4(USH2A):c.10969A>G (p.Thr3657Ala)

Gene: USH2A (usherin; minus strand). Cytogenetic location: 1q41.
Variant type: single nucleotide variant.
Coding change: c.10969A>G on transcript NM_206933.4 (MANE Select); coding-DNA position 10969, A replaced by G.
Protein change: p.Thr3657Ala; replaces threonine 3657 with alanine.
Molecular consequence: missense variant.
Genome position (GRCh38, 1-based): chr1:215,766,759, T>C on the plus strand (A>G on the coding strand, the complement: USH2A is on the minus strand). VCF-style: chr1-215766759-T-C. GRCh37 (hg19) VCF-style: chr1-215940101-T-C.
Other names: short protein forms T3657A.
Identifiers: ClinVar variation 1059216 (VCV001059216.8), dbSNP rs747966256, ClinGen allele CA1393860.

ClinVar aggregate classification (germline): Uncertain significance. Review status: criteria provided, multiple submitters, no conflicts (2 of 4 stars). 3 submissions from 3 submitters: Uncertain significance (2). 1 of the submissions does not count toward it. Last evaluated 2021-08-30.

Conditions:
Usher syndrome type 2A. Also called: RETINAL DISEASE IN USHER SYNDROME TYPE IIA, MODIFIER OF; USHER SYNDROME, TYPE IIA. Identifiers: Orphanet 231178, Orphanet 886, MedGen C1848634, MONDO:0010169, OMIM 276901.

Allele frequency attached by ClinVar (database versions not stated): gnomAD exomes 0.00001; ExAC 0.00002; gnomAD 0.00002; TOPMed 0.00002.
gnomAD v4.1: 14 of 1,613,208 alleles (0.00087%); highest among the groups gnomAD compares: Admixed American, 0.0017%; no homozygotes.

Submissions (3):

Labcorp Genetics (formerly Invitae), Labcorp
Classification: Uncertain significance. Last evaluated: 2021-08-30. Review status: criteria provided, single submitter. Criteria: Invitae Variant Classification Sherloc (09022015). Collection method: clinical testing. Allele origin: germline.
Comment: This sequence change replaces threonine with alanine at codon 3657 of the USH2A protein (p.Thr3657Ala). The threonine residue is highly conserved and there is a small physicochemical difference between threonine and alanine. This variant is present in population databases (rs747966256, ExAC 0.009%). This variant has not been reported in the literature in individuals affected with USH2A-related conditions. Algorithms developed to predict the effect of missense changes on protein structure and function (SIFT, PolyPhen-2, Align-GVGD) all suggest that this variant is likely to be tolerated. In summary, the available evidence is currently insufficient to determine the role of this variant in disease. Therefore, it has been classified as a Variant of Uncertain Significance.

Blueprint Genetics
Classification: Uncertain significance. Last evaluated: 2021-07-20. Review status: criteria provided, single submitter. Criteria: ACMG Guidelines, 2015. Collection method: clinical testing. Allele origin: germline.

Natera, Inc.
Classification: Uncertain significance for Usher syndrome type 2A. Last evaluated: 2020-09-29. Review status: no assertion criteria provided. Collection method: clinical testing. Allele origin: germline. Not counted in ClinVar's aggregate classification.